The following is an entry in ClinVar:

ClinVar aggregate classification (germline): Pathogenic (1 of 4 stars; one submission).

Conditions:
Autosomal recessive severe congenital neutropenia due to CSF3R deficiency. Also called: Neutropenia, severe congenital, 7, autosomal recessive. Identifiers: Orphanet 420702, MedGen C4310764, MONDO:0014865, OMIM 617014.

Submission:

Labcorp Genetics (formerly Invitae), Labcorp
Classification: Pathogenic for Autosomal recessive severe congenital neutropenia due to CSF3R deficiency. Last evaluated: 2025-07-06. Review status: criteria provided, single submitter. Criteria: Invitae Variant Classification Sherloc (09022015). Collection method: clinical testing. Allele origin: germline.
Comment: This sequence change creates a premature translational stop signal (p.Leu545Trpfs*34) in the CSF3R gene. It is expected to result in an absent or disrupted protein product. Loss-of-function variants in CSF3R are known to be pathogenic (PMID: 24753537, 26324699). This variant is not present in population databases (gnomAD no frequency). This variant has not been reported in the literature in individuals affected with CSF3R-related conditions. Algorithms developed to predict the effect of sequence changes on RNA splicing suggest that this variant may disrupt the consensus splice site. For these reasons, this variant has been classified as Pathogenic.

Literature cited by the submitters: PubMed 24753537; PubMed 26324699.

NM_000760.4(CSF3R):c.1633del (p.Leu545fs)

Gene: CSF3R (colony stimulating factor 3 receptor; minus strand). Cytogenetic location: 1p34.3.
Variant type: Deletion.
Coding change: c.1633del on transcript NM_000760.4 (MANE Select); coding-DNA position 1633, one base deleted (C; older notation c.1633delC).
Protein change: p.Leu545fs; shifts the reading frame from leucine 545.
Molecular consequence: frameshift variant.
Genome position (GRCh38, 1-based): chr1:36,468,165, G deleted on the plus strand (C on the coding strand, the reverse complement: CSF3R is on the minus strand). VCF-style (leftmost placement, unchanged base first): chr1-36468164-AG-A. GRCh37 (hg19) VCF-style: chr1-36933765-AG-A.
Other names: c.1633del, p.Leu545fs (NM_156039.3, NM_172313.3); short protein forms L545fs.
Identifiers: ClinVar variation 4722821 (VCV004722821.1).
Genomic context (GRCh38, chr1:36,468,164, plus strand): 5'-AAGATGGTGTAGTGGGTAAGGGGGCTCTTCCCCAGCTCAGGGGGCTCAGGCACCCACTCC[AG>A]CTGTGCCCAGGTCTTGCCAATGTGCTTTAGATGCAGCTCTGGGGCATGGGAGGGAGCTAT-3'